The following is an entry in ClinVar:

ClinVar aggregate classification (germline): Likely benign. Review status: criteria provided, multiple submitters, no conflicts (2 of 4 stars). 2 submissions from 2 submitters: Likely benign (2). Last evaluated 2025-10-29.

Conditions:
Warts, hypogammaglobulinemia, infections, and myelokathexis. Also called: WHIM syndrome. Identifiers: MedGen C0472817, MONDO:0023880.

Allele frequency attached by ClinVar (database versions not stated): gnomAD exomes 0.00001; TOPMed 0.00002; gnomAD 0.00005; ESP Exome Variant Server 0.00008.
gnomAD v4.1: 18 of 1,614,088 alleles (0.0011%); highest among the groups gnomAD compares: African/African-American, 0.004%; no homozygotes.

Submissions (2):

Labcorp Genetics (formerly Invitae), Labcorp
Classification: Likely benign for Warts, hypogammaglobulinemia, infections, and myelokathexis. Last evaluated: 2025-10-29. Review status: criteria provided, single submitter. Criteria: Invitae Variant Classification Sherloc (09022015). Collection method: clinical testing. Allele origin: germline.

Mayo Clinic Laboratories, Mayo Clinic
Classification: Likely benign. Last evaluated: 2025-08-28. Review status: criteria provided, single submitter. Criteria: ACMG Guidelines, 2015. Collection method: clinical testing. Allele origin: germline. Observed: 1 variant allele.
Comment: BP4, BP7, PM2_supporting

NM_003467.3(CXCR4):c.444G>A (p.Arg148=)

Gene: CXCR4 (C-X-C motif chemokine receptor 4; minus strand). Cytogenetic location: 2q22.1.
Variant type: single nucleotide variant.
Coding change: c.444G>A on transcript NM_003467.3 (MANE Select); coding-DNA position 444, G replaced by A.
Protein change: p.Arg148=; no amino-acid change (arginine 148 retained).
Molecular consequence: synonymous variant.
Genome position (GRCh38, 1-based): chr2:136,115,484, C>T on the plus strand (G>A on the coding strand, the complement: CXCR4 is on the minus strand). VCF-style: chr2-136115484-C-T. GRCh37 (hg19) VCF-style: chr2-136873054-C-T.
Other names: p.Arg148=; c.456G>A, p.Arg152= (NM_001008540.2); c.657G>A, p.Arg219= (NM_001348056.2); c.543G>A, p.Arg181= (NM_001348059.2); c.399G>A, p.Arg133= (NM_001348060.2).
Identifiers: ClinVar variation 2196329 (VCV002196329.5), dbSNP rs374115177, ClinGen allele CA56886532.